The following is an entry in ClinVar:

NM_005876.5(SPEG):c.5850C>T (p.Leu1950=)

Genes: ASIC4-AS1 (ASIC4 antisense RNA 1; minus strand), SPEG (striated muscle enriched protein kinase; plus strand). Cytogenetic location: 2q35.
Variant type: single nucleotide variant.
Coding change: c.5850C>T on transcript NM_005876.5 (MANE Select); coding-DNA position 5850, C replaced by T.
Protein change: p.Leu1950=; no amino-acid change (leucine 1950 retained).
Molecular consequence: synonymous variant.
Genome position (GRCh38, 1-based): chr2:219,483,313, C>T. VCF-style: chr2-219483313-C-T. GRCh37 (hg19) VCF-style: chr2-220348035-C-T.
Identifiers: ClinVar variation 2096051 (VCV002096051.5), dbSNP rs1481758288, ClinGen allele CA431429850.

ClinVar aggregate classification (germline): Likely benign. Review status: criteria provided, multiple submitters, no conflicts (2 of 4 stars). 2 submissions from 2 submitters: Likely benign (2). Last evaluated 2026-08-01.

Allele frequency attached by ClinVar (database versions not stated): gnomAD exomes below 0.00001; gnomAD 0.00001; TOPMed 0.00001.
gnomAD v4.1: 3 of 1,606,408 alleles (0.00019%); highest among the groups gnomAD compares: African/African-American, 0.0013%; no homozygotes.

Submissions (2):

CeGaT Center for Human Genetics Tuebingen
Classification: Likely benign. Last evaluated: 2026-08-01. Review status: criteria provided, single submitter. Criteria: CeGaT Center For Human Genetics Tuebingen Variant Classification Criteria Version 2. Collection method: clinical testing. Allele origin: germline. Affected: yes. Observed: 1 variant allele.
Comment: SPEG: BP4, BP7

Labcorp Genetics (formerly Invitae), Labcorp
Classification: Likely benign. Last evaluated: 2022-02-20. Review status: criteria provided, single submitter. Criteria: Invitae Variant Classification Sherloc (09022015). Collection method: clinical testing. Allele origin: germline.